The following is an entry in ClinVar:

NM_015559.3(SETBP1):c.3866A>T (p.Asp1289Val)

Gene: SETBP1 (SET binding protein 1; plus strand). Cytogenetic location: 18q12.3.
Variant type: single nucleotide variant.
Coding change: c.3866A>T on transcript NM_015559.3 (MANE Select); coding-DNA position 3866, A replaced by T.
Protein change: p.Asp1289Val; replaces aspartic acid 1289 with valine.
Molecular consequence: missense variant.
Genome position (GRCh38, 1-based): chr18:44,953,206, A>T. VCF-style: chr18-44953206-A-T. GRCh37 (hg19) VCF-style: chr18-42533171-A-T.
Other names: c.3866A>T, p.Asp1289Val (NM_001379141.1, NM_001379142.1, NM_001410862.1); short protein forms D1289V.
Identifiers: ClinVar variation 2694351 (VCV002694351.3), dbSNP rs2511477587, ClinGen allele CA402325356.

ClinVar aggregate classification (germline): Uncertain significance (1 of 4 stars; one submission).

gnomAD v4.1: 2 of 1,614,144 alleles (0.00012%); highest among the groups gnomAD compares: Non-Finnish European, 0.00017%; no homozygotes.

Submission:

Labcorp Genetics (formerly Invitae), Labcorp
Classification: Uncertain significance. Last evaluated: 2023-11-08. Review status: criteria provided, single submitter. Criteria: Invitae Variant Classification Sherloc (09022015). Collection method: clinical testing. Allele origin: germline.
Comment: This sequence change replaces aspartic acid, which is acidic and polar, with valine, which is neutral and non-polar, at codon 1289 of the SETBP1 protein (p.Asp1289Val). This variant is not present in population databases (gnomAD no frequency). This variant has not been reported in the literature in individuals affected with SETBP1-related conditions. Advanced modeling of protein sequence and biophysical properties (such as structural, functional, and spatial information, amino acid conservation, physicochemical variation, residue mobility, and thermodynamic stability) performed at Invitae indicates that this missense variant is not expected to disrupt SETBP1 protein function with a negative predictive value of 80%. In summary, the available evidence is currently insufficient to determine the role of this variant in disease. Therefore, it has been classified as a Variant of Uncertain Significance.